The following is an entry in ClinVar:

NM_001035.3(RYR2):c.271G>A (p.Gly91Arg)

Gene: RYR2 (ryanodine receptor 2; plus strand). Cytogenetic location: 1q43.
Variant type: single nucleotide variant.
Coding change: c.271G>A on transcript NM_001035.3 (MANE Select); coding-DNA position 271, G replaced by A.
Protein change: p.Gly91Arg; replaces glycine 91 with arginine.
Molecular consequence: missense variant.
Genome position (GRCh38, 1-based): chr1:237,330,980, G>A. VCF-style: chr1-237330980-G-A. GRCh37 (hg19) VCF-style: chr1-237494280-G-A.
Other names: short protein forms G91R.
Identifiers: ClinVar variation 3385647 (VCV003385647.1).

ClinVar aggregate classification (germline): Uncertain significance (1 of 4 stars; one submission).

Conditions:
Catecholaminergic polymorphic ventricular tachycardia (CVPT). Also called: Catecholamine-induced polymorphic ventricular tachycardia. Identifiers: Orphanet 3286, MedGen C5574922, MONDO:0017990.

Submission:

All of Us Research Program, National Institutes of Health
Classification: Uncertain significance for Catecholaminergic polymorphic ventricular tachycardia. Last evaluated: 2024-03-24. Review status: criteria provided, single submitter. Criteria: ACMG Guidelines, 2015. Collection method: clinical testing. Allele origin: germline. Inheritance: Autosomal dominant inheritance. Observed: 1 variant allele, 1 heterozygote.
Comment: This missense variant replaces glycine with arginine at codon 91 of the RYR2 protein. Computational prediction suggests that this variant may have deleterious impact on protein structure and function (internally defined REVEL score threshold >= 0.7, PMID: 27666373). To our knowledge, functional studies have not been reported for this variant. This variant has not been reported in individuals affected with RYR2-related disorders in the literature. This variant has not been identified in the general population by the Genome Aggregation Database (gnomAD). The available evidence is insufficient to determine the role of this variant in disease conclusively. Therefore, this variant is classified as a Variant of Uncertain Significance.

This study involves interpretation of variants in research participants for the purpose of population health screening. Participant phenotype was not available at the time of variant classification. Additional details can be found in publication PMID: 35346344, PMCID: PMC8962531